The following is an entry in ClinVar:

NM_001846.4(COL4A2):c.3143C>A (p.Pro1048Gln)

Gene: COL4A2 (collagen type IV alpha 2 chain; plus strand). Cytogenetic location: 13q34.
Variant type: single nucleotide variant.
Coding change: c.3143C>A on transcript NM_001846.4 (MANE Select); coding-DNA position 3143, C replaced by A.
Protein change: p.Pro1048Gln; replaces proline 1048 with glutamine.
Molecular consequence: missense variant.
Genome position (GRCh38, 1-based): chr13:110,485,772, C>A. VCF-style: chr13-110485772-C-A. GRCh37 (hg19) VCF-style: chr13-111138119-C-A.
Other names: short protein forms P1048Q.
Identifiers: ClinVar variation 1436414 (VCV001436414.5), dbSNP rs767119766, ClinGen allele CA7050094.

ClinVar aggregate classification (germline): Uncertain significance (1 of 4 stars; one submission).

Allele frequency attached by ClinVar (database versions not stated): gnomAD exomes below 0.00001; ExAC 0.00001.
gnomAD v4.1: 6 of 1,613,934 alleles (0.00037%); highest among the groups gnomAD compares: Non-Finnish European, 0.00051%; no homozygotes.

Submission:

Labcorp Genetics (formerly Invitae), Labcorp
Classification: Uncertain significance. Last evaluated: 2021-12-03. Review status: criteria provided, single submitter. Criteria: Invitae Variant Classification Sherloc (09022015). Collection method: clinical testing. Allele origin: germline.
Comment: This sequence change replaces proline with glutamine at codon 1048 of the COL4A2 protein (p.Pro1048Gln). The proline residue is moderately conserved and there is a moderate physicochemical difference between proline and glutamine. This variant is present in population databases (rs767119766, gnomAD 0.0009%). This variant has not been reported in the literature in individuals affected with COL4A2-related conditions. Advanced modeling of protein sequence and biophysical properties (such as structural, functional, and spatial information, amino acid conservation, physicochemical variation, residue mobility, and thermodynamic stability) performed at Invitae indicates that this missense variant is not expected to disrupt COL4A2 protein function. In summary, the available evidence is currently insufficient to determine the role of this variant in disease. Therefore, it has been classified as a Variant of Uncertain Significance.